The following is an entry in ClinVar:

ClinVar aggregate classification (germline): Uncertain significance (1 of 4 stars; one submission).

Conditions:
Aortic valve disease 2 (AOVD2). Identifiers: MedGen C3542024, MONDO:0013902, OMIM 614823.

gnomAD v4.1: 22 of 1,613,690 alleles (0.0014%); highest among the groups gnomAD compares: East Asian, 0.0089%; no homozygotes.

Submission:

Labcorp Genetics (formerly Invitae), Labcorp
Classification: Uncertain significance for Aortic valve disease 2. Last evaluated: 2025-08-17. Review status: criteria provided, single submitter. Criteria: Invitae Variant Classification Sherloc (09022015). Collection method: clinical testing. Allele origin: germline.
Comment: This sequence change replaces proline, which is neutral and non-polar, with leucine, which is neutral and non-polar, at codon 275 of the SMAD6 protein (p.Pro275Leu). This variant is present in population databases (rs759668190, gnomAD 0.006%). This variant has not been reported in the literature in individuals affected with SMAD6-related conditions. ClinVar contains an entry for this variant (Variation ID: 3666392). Invitae Evidence Modeling of protein sequence and biophysical properties (such as structural, functional, and spatial information, amino acid conservation, physicochemical variation, residue mobility, and thermodynamic stability) indicates that this missense variant is not expected to disrupt SMAD6 protein function with a negative predictive value of 80%. In summary, the available evidence is currently insufficient to determine the role of this variant in disease. Therefore, it has been classified as a Variant of Uncertain Significance.

NM_005585.5(SMAD6):c.824C>T (p.Pro275Leu)

Gene: SMAD6 (SMAD family member 6; plus strand). Cytogenetic location: 15q22.31.
Variant type: single nucleotide variant.
Coding change: c.824C>T on transcript NM_005585.5 (MANE Select); coding-DNA position 824, C replaced by T.
Protein change: p.Pro275Leu; replaces proline 275 with leucine.
Molecular consequence: missense variant. On other transcripts: non-coding transcript variant (1).
Genome position (GRCh38, 1-based): chr15:66,711,674, C>T. VCF-style: chr15-66711674-C-T. GRCh37 (hg19) VCF-style: chr15-67004012-C-T.
Other names: short protein forms P275L.
Identifiers: ClinVar variation 3666392 (VCV003666392.2).